The following is an entry in ClinVar:

NM_020822.3(KCNT1):c.1395G>A (p.Thr465=)

Gene: KCNT1 (potassium sodium-activated channel subfamily T member 1; plus strand). Cytogenetic location: 9q34.3.
Variant type: single nucleotide variant.
Coding change: c.1395G>A on transcript NM_020822.3 (MANE Select); coding-DNA position 1395, G replaced by A.
Protein change: p.Thr465=; no amino-acid change (threonine 465 retained).
Molecular consequence: synonymous variant.
Genome position (GRCh38, 1-based): chr9:135,768,667, G>A. VCF-style: chr9-135768667-G-A. GRCh37 (hg19) VCF-style: chr9-138660513-G-A.
Other names: c.1260G>A, p.Thr420= (NM_001272003.2).
Identifiers: ClinVar variation 382867 (VCV000382867.18), dbSNP rs777870376, ClinGen allele CA5326874.

ClinVar aggregate classification (germline): Likely benign. Review status: criteria provided, multiple submitters, no conflicts (2 of 4 stars). 6 submissions from 5 submitters: Likely benign (5). 1 of the submissions does not count toward it. Last evaluated 2025-05-01.

Conditions:
Autosomal dominant nocturnal frontal lobe epilepsy 5. Also called: Epilepsy, nocturnal frontal lobe, 5; CILIARY DYSKINESIA, PRIMARY, 28, WITHOUT SITUS INVERSUS; CILIARY DYSKINESIA, PRIMARY, 28, WITH SITUS INVERSUS; KCNT1-Related Epilepsy. Identifiers: Orphanet 98784, MedGen C3554306, MONDO:0014002, OMIM 615005.
Developmental and epileptic encephalopathy, 14 (DEE14). Also called: Early infantile epileptic encephalopathy 14. Identifiers: Orphanet 293181, MedGen C3554195, MONDO:0013989, OMIM 614959.
KCNT1-related disorder. Also called: KCNT1-related condition.

Allele frequency attached by ClinVar (database versions not stated): ExAC below 0.00001; gnomAD 0.00003; TOPMed 0.00004; gnomAD exomes 0.00006.
gnomAD v4.1: 126 of 1,550,234 alleles (0.0081%); highest among the groups gnomAD compares: East Asian, 0.1%; no homozygotes.

Submissions (6):

Labcorp Genetics (formerly Invitae), Labcorp
Classification: Likely benign for Autosomal dominant nocturnal frontal lobe epilepsy 5; Developmental and epileptic encephalopathy, 14. Last evaluated: 2025-05-01. Review status: criteria provided, single submitter. Criteria: Invitae Variant Classification Sherloc (09022015). Collection method: clinical testing. Allele origin: germline.

Blueprint Genetics
Classification: Likely benign. Last evaluated: 2022-07-25. Review status: criteria provided, single submitter. Criteria: ACMG Guidelines, 2015. Collection method: clinical testing. Allele origin: germline.

Genome-Nilou Lab
Classification: Likely benign for Developmental and epileptic encephalopathy, 14. Last evaluated: 2022-03-15. Review status: criteria provided, single submitter. Criteria: ACMG Guidelines, 2015. Collection method: clinical testing. Allele origin: germline. Affected: no.

Genome-Nilou Lab
Classification: Likely benign for Autosomal dominant nocturnal frontal lobe epilepsy 5. Last evaluated: 2022-03-15. Review status: criteria provided, single submitter. Criteria: ACMG Guidelines, 2015. Collection method: clinical testing. Allele origin: germline. Affected: no.

GeneDx
Classification: Likely benign. Last evaluated: 2021-01-12. Review status: criteria provided, single submitter. Criteria: GeneDx Variant Classification Process June 2021. Collection method: clinical testing. Allele origin: germline. Affected: yes.

PreventionGenetics, part of Exact Sciences
Classification: Likely benign for KCNT1-related condition. Last evaluated: 2019-05-03. Review status: no assertion criteria provided. Collection method: clinical testing. Allele origin: germline. Not counted in ClinVar's aggregate classification.
Comment: This variant is classified as likely benign based on ACMG/AMP sequence variant interpretation guidelines (Richards et al. 2015 PMID: 25741868, with internal and published modifications).